The following is an entry in ClinVar:

NM_000143.4(FH):c.1457C>A (p.Ala486Asp)

Gene: FH (fumarate hydratase; minus strand). Cytogenetic location: 1q43.
Variant type: single nucleotide variant.
Coding change: c.1457C>A on transcript NM_000143.4 (MANE Select); coding-DNA position 1457, C replaced by A.
Protein change: p.Ala486Asp; replaces alanine 486 with aspartic acid.
Molecular consequence: missense variant.
Genome position (GRCh38, 1-based): chr1:241,497,904, G>T on the plus strand (C>A on the coding strand, the complement: FH is on the minus strand). VCF-style: chr1-241497904-G-T. GRCh37 (hg19) VCF-style: chr1-241661204-G-T.
Other names: short protein forms A486D.
Identifiers: ClinVar variation 1074128 (VCV001074128.9), dbSNP rs2147911265, ClinGen allele CA345450587.

ClinVar aggregate classification (germline): Pathogenic (1 of 4 stars; one submission).

Submission:

Labcorp Genetics (formerly Invitae), Labcorp
Classification: Pathogenic. Last evaluated: 2020-10-19. Review status: criteria provided, single submitter. Criteria: Invitae Variant Classification Sherloc (09022015). Collection method: clinical testing. Allele origin: germline.
Comment: Advanced modeling of protein sequence and biophysical properties (such as structural, functional, and spatial information, amino acid conservation, physicochemical variation, residue mobility, and thermodynamic stability) performed at Invitae indicates that this missense variant is expected to disrupt FH protein function. This sequence change replaces alanine with aspartic acid at codon 486 of the FH protein (p.Ala486Asp). The alanine residue is highly conserved and there is a moderate physicochemical difference between alanine and aspartic acid. This variant is not present in population databases (ExAC no frequency). This variant has been observed in individual(s) with hereditary leiomyomatosis and renal cell cancer (PMID: 20109895, Invitae). It has also been observed to segregate with disease in related individuals. This variant is also known as c.1328C>A, p.A443D in the literature. For these reasons, this variant has been classified as Pathogenic.

Literature cited by the submitters: PubMed 20109895.